The following is an entry in ClinVar:

ClinVar aggregate classification (germline): Uncertain significance (1 of 4 stars; one submission).

Conditions:
Cardiovascular phenotype. Identifiers: MedGen CN230736.

Submission:

Ambry Genetics
Classification: Uncertain significance for Cardiovascular phenotype. Last evaluated: 2024-07-30. Review status: criteria provided, single submitter. Criteria: Ambry Variant Classification Scheme 2023. Collection method: clinical testing. Allele origin: germline.
Comment: The p.Y2914C variant (also known as c.8741A>G), located in coding exon 35 of the AKAP9 gene, results from an A to G substitution at nucleotide position 8741. The tyrosine at codon 2914 is replaced by cysteine, an amino acid with highly dissimilar properties. This amino acid position is conserved. In addition, this alteration is predicted to be tolerated by in silico analysis. Based on the available evidence, the clinical significance of this variant remains unclear.

NM_005751.5(AKAP9):c.8741A>G (p.Tyr2914Cys)

Gene: AKAP9 (A-kinase anchoring protein 9; plus strand). Cytogenetic location: 7q21.2.
Variant type: single nucleotide variant.
Coding change: c.8741A>G on transcript NM_005751.5 (MANE Select); coding-DNA position 8741, A replaced by G.
Protein change: p.Tyr2914Cys; replaces tyrosine 2914 with cysteine.
Molecular consequence: missense variant.
Genome position (GRCh38, 1-based): chr7:92,084,849, A>G. VCF-style: chr7-92084849-A-G. GRCh37 (hg19) VCF-style: chr7-91714163-A-G.
Other names: c.3386A>G, p.Tyr1129Cys (NM_001379277.1); c.8717A>G, p.Tyr2906Cys (NM_147185.3); short protein forms Y2906C, Y1129C, Y2914C.
Identifiers: ClinVar variation 3516237 (VCV003516237.1).